The following is an entry in ClinVar:

ClinVar aggregate classification (germline): Conflicting classifications of pathogenicity. Review status: criteria provided, conflicting classifications (1 of 4 stars). 3 submissions from 2 submitters: Uncertain significance (2); Benign (1). Last evaluated 2024-04-12.

Conditions:
Pseudohypoaldosteronism, type IB1, autosomal recessive. Also called: Pseudohypoaldosteronism, Type I, Autosomal Recessive; PHA I, AUTOSOMAL RECESSIVE; Pseudohypoaldosteronism, Type I, Recessive; Autosomal recessive pseudohypoaldosteronism type 1. Identifiers: Orphanet 171876, Orphanet 756, MedGen C5774176, MONDO:0009917, OMIM 264350.
Liddle syndrome 3. Identifiers: MedGen C4748292, MONDO:0029132, OMIM 618126.
Bronchiectasis with or without elevated sweat chloride 2 (BESC2). Identifiers: Orphanet 60033, MedGen C2751666, MONDO:0013087, OMIM 613021.

Allele frequency attached by ClinVar (database versions not stated): gnomAD exomes 0.00001 and 0.00002; ExAC 0.00003; ESP Exome Variant Server 0.00008; gnomAD 0.00008 and 0.00009; TOPMed 0.00009.
gnomAD v4.1: 35 of 1,613,844 alleles (0.0022%); highest among the groups gnomAD compares: Middle Eastern, 0.033%; no homozygotes.

Submissions (3):

Fulgent Genetics
Classification: Uncertain significance for Pseudohypoaldosteronism, type IB1, autosomal recessive; Bronchiectasis with or without elevated sweat chloride 2; Liddle syndrome 3. Last evaluated: 2024-04-12. Review status: criteria provided, single submitter. Criteria: ACMG Guidelines, 2015. Collection method: clinical testing. Allele origin: germline.

Illumina Laboratory Services, Illumina
Classification: Uncertain significance for Pseudohypoaldosteronism, type IB1, autosomal recessive. Last evaluated: 2018-01-13. Review status: criteria provided, single submitter. Criteria: ICSL Variant Classification Criteria 13 December 2019. Collection method: clinical testing. Allele origin: germline.

Illumina Laboratory Services, Illumina
Classification: Benign for Bronchiectasis with or without elevated sweat chloride 2. Last evaluated: 2018-01-13. Review status: criteria provided, single submitter. Criteria: ICSL Variant Classification Criteria 13 December 2019. Collection method: clinical testing. Allele origin: germline.
Comment: This variant was observed in the ICSL laboratory as part of a predisposition screen in an ostensibly healthy population. It had not been previously curated by ICSL or reported in the Human Gene Mutation Database (HGMD: prior to June 1st, 2018), and was therefore a candidate for classification through an automated scoring system. Utilizing variant allele frequency, disease prevalence and penetrance estimates, and inheritance mode, an automated score was calculated to assess if this variant is too frequent to cause the disease. Based on the score and internal cut-off values, a variant classified as benign is not then subjected to further curation. The score for this variant resulted in a classification of benign for this disease.

NM_001038.6(SCNN1A):c.746G>A (p.Arg249Lys)

Gene: SCNN1A (sodium channel epithelial 1 subunit alpha; minus strand). Cytogenetic location: 12p13.31.
Variant type: single nucleotide variant.
Coding change: c.746G>A on transcript NM_001038.6 (MANE Select); coding-DNA position 746, G replaced by A.
Protein change: p.Arg249Lys; replaces arginine 249 with lysine.
Molecular consequence: missense variant.
Genome position (GRCh38, 1-based): chr12:6,362,180, C>T on the plus strand (G>A on the coding strand, the complement: SCNN1A is on the minus strand). VCF-style: chr12-6362180-C-T. GRCh37 (hg19) VCF-style: chr12-6471346-C-T.
Other names: c.815G>A, p.Arg272Lys (NM_001159575.2); c.923G>A, p.Arg308Lys (NM_001159576.2); short protein forms R249K, R272K, R308K.
Identifiers: ClinVar variation 310149 (VCV000310149.6), dbSNP rs142409152, ClinGen allele CA6406118.
Genomic context (GRCh38, chr12:6,362,180, plus strand): 5'-GATGGCAGAGTCTCTGGCAGCCTCGACAGGATGTTGATGTAGTGGAAGCGGTACCACTCC[C>T]TCACCGCATCCACCCCTGATGAGTATGTCTGGTAGAAGCAGTCCGATTTGTTCTGGTTGC-3'
Protein context (NP_001029.1, residues 239-259): QTYSSGVDAV[Arg249Lys]EWYRFHYINI